The following is an entry in ClinVar:

ClinVar aggregate classification (germline): Likely benign (1 of 4 stars; one submission).

gnomAD v4.1: 3 of 1,613,498 alleles (0.00019%); highest among the groups gnomAD compares: Non-Finnish European, 0.00017%; no homozygotes.

Submission:

Women's Health and Genetics/Laboratory Corporation of America, LabCorp
Classification: Likely benign. Last evaluated: 2026-04-09. Review status: criteria provided, single submitter. Criteria: LabCorp Variant Classification Summary - May 2015. Collection method: clinical testing. Allele origin: germline.
Comment: Variant summary: IL6R c.342C>G alters a non-conserved nucleotide resulting in a synonymous change. Consensus agreement among computation tools predict no significant impact on normal splicing. However, these predictions have yet to be confirmed by functional studies. The variant was absent in 250854 control chromosomes. The available data on variant occurrences in the general population are insufficient to allow any conclusion about variant significance. To our knowledge, no occurrence of c.342C>G in individuals affected with IL6R-related conditions and no experimental evidence demonstrating its impact on protein function have been reported. No submitters have cited clinical-significance assessments for this variant to ClinVar. Based on the evidence outlined above, the variant was classified as likely benign.

NM_000565.4(IL6R):c.342C>G (p.Pro114=)

Gene: IL6R (interleukin 6 receptor; plus strand). Cytogenetic location: 1q21.3.
Variant type: single nucleotide variant.
Coding change: c.342C>G on transcript NM_000565.4 (MANE Select); coding-DNA position 342, C replaced by G.
Protein change: p.Pro114=; no amino-acid change (proline 114 retained).
Molecular consequence: synonymous variant. On other transcripts: intron variant (1).
Genome position (GRCh38, 1-based): chr1:154,430,490, C>G. VCF-style: chr1-154430490-C-G. GRCh37 (hg19) VCF-style: chr1-154402966-C-G.
Other names: c.342C>G, p.Pro114= (NM_001206866.2, NM_001382769.1, NM_001382770.1 and 4 more transcripts); c.126+1254C>G (NM_001382774.1).
Identifiers: ClinVar variation 4848719 (VCV004848719.1).
Genomic context (GRCh38, chr1:154,430,490, plus strand): 5'-TGCGCCCCAGGATCCCCGCCCGCCTGCTGACACCTGCAATGCTTTCCTTTCAGTTCCCCC[C>G]GAGGAGCCCCAGCTCTCCTGCTTCCGGAAGAGCCCCCTCAGCAATGTTGTTTGTGAGTGG-3'
Protein context (NP_000556.1, residues 104-124): GTVHLLVDVP[Pro114=]EEPQLSCFRK